The following is an entry in ClinVar:

ClinVar aggregate classification (germline): Uncertain significance (1 of 4 stars; one submission).

Submission:

Labcorp Genetics (formerly Invitae), Labcorp
Classification: Uncertain significance. Last evaluated: 2024-02-18. Review status: criteria provided, single submitter. Criteria: Invitae Variant Classification Sherloc (09022015). Collection method: clinical testing. Allele origin: germline.
Comment: This sequence change replaces glycine, which is neutral and non-polar, with aspartic acid, which is acidic and polar, at codon 518 of the ADAMTS17 protein (p.Gly518Asp). The frequency data for this variant in the population databases is considered unreliable, as metrics indicate poor data quality at this position in the gnomAD database. This variant has not been reported in the literature in individuals affected with ADAMTS17-related conditions. An algorithm developed to predict the effect of missense changes on protein structure and function (PolyPhen-2) suggests that this variant is likely to be disruptive. In summary, the available evidence is currently insufficient to determine the role of this variant in disease. Therefore, it has been classified as a Variant of Uncertain Significance.

NM_139057.4(ADAMTS17):c.1553G>A (p.Gly518Asp)

Gene: ADAMTS17 (ADAM metallopeptidase with thrombospondin type 1 motif 17; minus strand). Cytogenetic location: 15q26.3.
Variant type: single nucleotide variant.
Coding change: c.1553G>A on transcript NM_139057.4 (MANE Select); coding-DNA position 1553, G replaced by A.
Protein change: p.Gly518Asp; replaces glycine 518 with aspartic acid.
Molecular consequence: missense variant.
Genome position (GRCh38, 1-based): chr15:100,133,236, C>T on the plus strand (G>A on the coding strand, the complement: ADAMTS17 is on the minus strand). VCF-style: chr15-100133236-C-T. GRCh37 (hg19) VCF-style: chr15-100673441-C-T.
Other names: short protein forms G518D.
Identifiers: ClinVar variation 3672983 (VCV003672983.2).